The following is an entry in ClinVar:

NM_000020.3(ACVRL1):c.465C>T (p.Ser155=)

Gene: ACVRL1 (activin A receptor like type 1; plus strand). Cytogenetic location: 12q13.13.
Variant type: single nucleotide variant.
Coding change: c.465C>T on transcript NM_000020.3 (MANE Select); coding-DNA position 465, C replaced by T.
Protein change: p.Ser155=; no amino-acid change (serine 155 retained).
Molecular consequence: synonymous variant.
Genome position (GRCh38, 1-based): chr12:51,913,710, C>T. VCF-style: chr12-51913710-C-T. GRCh37 (hg19) VCF-style: chr12-52307494-C-T.
Other names: c.465C>T, p.Ser155= (NM_001077401.2).
Identifiers: ClinVar variation 594274 (VCV000594274.20), dbSNP rs143735377, ClinGen allele CA6572911.

ClinVar aggregate classification (germline): Conflicting classifications of pathogenicity. Review status: criteria provided, conflicting classifications (1 of 4 stars). 5 submissions from 5 submitters: Uncertain significance (1); Likely benign (3). 1 of the submissions does not count toward it. Last evaluated 2026-02-03.

Conditions:
ACVRL1-related disorder. Also called: ACVRL1-related disorders; ACVRL1-related condition.
Cardiovascular phenotype. Identifiers: MedGen CN230736.
Telangiectasia, hereditary hemorrhagic, type 2 (HHT2). Also called: Telangiectasia, hereditary hemorrhagic, type II; ACVRL1-Related Hereditary Hemorrhagic Telangiectasia. Identifiers: Orphanet 774, MedGen C1838163, MONDO:0010880, OMIM 600376. Disease mechanism: loss of function.

Allele frequency attached by ClinVar (database versions not stated): TOPMed 0.00009; gnomAD 0.00013; ESP Exome Variant Server 0.00023.
gnomAD v4.1: 93 of 1,611,926 alleles (0.0058%); highest among the groups gnomAD compares: African/African-American, 0.013%; 1 homozygote.

Submissions (6):

Labcorp Genetics (formerly Invitae), Labcorp
Classification: Likely benign for Telangiectasia, hereditary hemorrhagic, type 2. Last evaluated: 2026-02-03. Review status: criteria provided, single submitter. Criteria: Invitae Variant Classification Sherloc (09022015). Collection method: clinical testing. Allele origin: germline.

Blueprint Genetics
Classification: Likely benign. Last evaluated: 2024-06-27. Review status: criteria provided, single submitter. Criteria: ACMG Guidelines, 2015. Collection method: clinical testing. Allele origin: germline.

Eurofins Ntd Llc (ga)
Classification: Uncertain significance. Last evaluated: 2017-10-18. Review status: criteria provided, single submitter. Criteria: EGL Classification Definitions 2015. Collection method: clinical testing. Allele origin: germline. Observed: 1 variant allele, 1 heterozygote.

Ambry Genetics
Classification: Likely benign for Cardiovascular phenotype. Last evaluated: 2015-12-11. Review status: criteria provided, single submitter. Criteria: Ambry Variant Classification Scheme 2023. Collection method: clinical testing. Allele origin: germline.

PreventionGenetics, part of Exact Sciences
Classification: Uncertain significance for ACVRL1-related condition. Last evaluated: 2024-06-24. Review status: no assertion criteria provided. Collection method: clinical testing. Allele origin: germline. Not counted in ClinVar's aggregate classification.
Comment: The ACVRL1 c.465C>T variant is not predicted to result in an amino acid change (p.=). This variant is predicted to alter splicing based on available splicing prediction software (SpliceAI, Jaganathan et al. 2019. PubMed ID: 30661751). However, the use of computer prediction softwares is not equivalent to functional evidence. To our knowledge, this variant has not been reported in the literature. This variant is reported in 0.016% of alleles in individuals of South Asian descent in gnomAD. Although we suspect that this variant may be benign, at this time, the clinical significance of this variant is uncertain due to the absence of conclusive functional and genetic evidence.

Dr. Peter K. Rogan Lab, Western University
No classification provided (evidence only). Condition: Thyroid cancer, nonmedullary, 1. Review status: no classification provided. Collection method: in vitro. Allele origin: not applicable. Functional consequence: retained intron. Not counted in ClinVar's aggregate classification.